The following is an entry in ClinVar:

NM_000073.3(CD3G):c.390T>C (p.Ala130=)

Genes: CD3G (CD3 gamma subunit of T-cell receptor complex; plus strand), LOC126861358 (BRD4-independent group 4 enhancer GRCh37_chr11:118220212-118221411; plus strand). Cytogenetic location: 11q23.3.
Variant type: single nucleotide variant.
Coding change: c.390T>C on transcript NM_000073.3 (MANE Select); coding-DNA position 390, T replaced by C.
Protein change: p.Ala130=; no amino-acid change (alanine 130 retained).
Molecular consequence: synonymous variant.
Genome position (GRCh38, 1-based): chr11:118,350,634, T>C. VCF-style: chr11-118350634-T-C. GRCh37 (hg19) VCF-style: chr11-118221349-T-C.
Other names: p.Ala130=.
Identifiers: ClinVar variation 302684 (VCV000302684.21), dbSNP rs3753059, ClinGen allele CA6302168.

ClinVar aggregate classification (germline): Benign/Likely benign. Review status: criteria provided, multiple submitters, no conflicts (2 of 4 stars). 8 submissions from 8 submitters: Benign (7); Likely benign (1). Last evaluated 2026-01-26.

Conditions:
Combined immunodeficiency due to CD3gamma deficiency. Also called: CD3-GAMMA DEFICIENCY; SCID-LIKE IMMUNODEFICIENCY, T CELL-PARTIAL, B CELL-POSITIVE, NK CELL-POSITIVE; Immunodeficiency 17; Immunodeficiency 17, CD3 gamma deficient. Identifiers: Orphanet 169082, MedGen C3810107, MONDO:0014276, OMIM 615607.

Allele frequency attached by ClinVar (database versions not stated): ESP Exome Variant Server 0.00254; gnomAD 0.16289 and 0.17749; TOPMed 0.16738; gnomAD exomes 0.18011 and 0.21574; ExAC 0.21895; 1000 Genomes Project 0.29633.
gnomAD v4.1: 291,480 of 1,613,082 alleles (18%); highest among the groups gnomAD compares: East Asian, 51%; 33,340 homozygotes.

Submissions (8):

Labcorp Genetics (formerly Invitae), Labcorp
Classification: Benign for Combined immunodeficiency due to CD3gamma deficiency. Last evaluated: 2026-01-26. Review status: criteria provided, single submitter. Criteria: Invitae Variant Classification Sherloc (09022015). Collection method: clinical testing. Allele origin: germline.

Women's Health and Genetics/Laboratory Corporation of America, LabCorp
Classification: Benign. Last evaluated: 2026-01-21. Review status: criteria provided, single submitter. Criteria: LabCorp Variant Classification Summary - May 2015. Collection method: clinical testing. Allele origin: germline.

Blueprint Genetics
Classification: Likely benign. Last evaluated: 2024-11-27. Review status: criteria provided, single submitter. Criteria: ACMG Guidelines, 2015. Collection method: clinical testing. Allele origin: germline.

Mayo Clinic Laboratories, Mayo Clinic
Classification: Benign. Last evaluated: 2022-09-06. Review status: criteria provided, single submitter. Criteria: ACMG Guidelines, 2015. Collection method: clinical testing. Allele origin: germline. Observed: 192 variant alleles.

Fulgent Genetics
Classification: Benign for Combined immunodeficiency due to CD3gamma deficiency. Last evaluated: 2022-02-07. Review status: criteria provided, single submitter. Criteria: ACMG Guidelines, 2015. Collection method: clinical testing. Allele origin: unknown.

Illumina Laboratory Services, Illumina
Classification: Benign for Combined immunodeficiency due to CD3gamma deficiency. Last evaluated: 2018-01-13. Review status: criteria provided, single submitter. Criteria: ICSL Variant Classification Criteria 13 December 2019. Collection method: clinical testing. Allele origin: germline.
Comment: This variant was observed in the ICSL laboratory as part of a predisposition screen in an ostensibly healthy population. It had not been previously curated by ICSL or reported in the Human Gene Mutation Database (HGMD: prior to June 1st, 2018), and was therefore a candidate for classification through an automated scoring system. Utilizing variant allele frequency, disease prevalence and penetrance estimates, and inheritance mode, an automated score was calculated to assess if this variant is too frequent to cause the disease. Based on the score and internal cut-off values, a variant classified as benign is not then subjected to further curation. The score for this variant resulted in a classification of benign for this disease.

Laboratory for Molecular Medicine, Mass General Brigham Personalized Medicine
Classification: Benign. Last evaluated: 2016-03-28. Review status: criteria provided, single submitter. Criteria: LMM Criteria. Collection method: clinical testing. Allele origin: germline.
Comment: Variant identified in a genome or exome case(s) and assessed due to predicted null impact of the variant or pathogenic assertions in the literature or databases. Disclaimer: This variant has not undergone full assessment. The following are preliminary notes: MAF

Breakthrough Genomics
Classification: Benign. Review status: criteria provided, single submitter. Criteria: ACMG Guidelines, 2015. Collection method: not provided. Allele origin: germline. Inheritance: Autosomal recessive inheritance. Affected: yes.